The following is an entry in ClinVar:

ClinVar aggregate classification (germline): Uncertain significance. Review status: criteria provided, multiple submitters, no conflicts (2 of 4 stars). 2 submissions from 2 submitters: Uncertain significance (2). Last evaluated 2025-06-18.

Conditions:
Inborn genetic diseases. Identifiers: MedGen C0950123, MeSH D030342.

Submissions (2):

Ambry Genetics
Classification: Uncertain significance for Inborn genetic diseases. Last evaluated: 2025-06-18. Review status: criteria provided, single submitter. Criteria: Ambry Variant Classification Scheme 2023. Collection method: clinical testing. Allele origin: germline.

Labcorp Genetics (formerly Invitae), Labcorp
Classification: Uncertain significance. Last evaluated: 2023-03-31. Review status: criteria provided, single submitter. Criteria: Invitae Variant Classification Sherloc (09022015). Collection method: clinical testing. Allele origin: germline.
Comment: This variant has not been reported in the literature in individuals affected with PACS2-related conditions. This sequence change replaces cysteine, which is neutral and slightly polar, with arginine, which is basic and polar, at codon 521 of the PACS2 protein (p.Cys521Arg). This variant is not present in population databases (gnomAD no frequency). Advanced modeling of protein sequence and biophysical properties (such as structural, functional, and spatial information, amino acid conservation, physicochemical variation, residue mobility, and thermodynamic stability) performed at Invitae indicates that this missense variant is expected to disrupt PACS2 protein function. In summary, the available evidence is currently insufficient to determine the role of this variant in disease. Therefore, it has been classified as a Variant of Uncertain Significance.

NM_001100913.3(PACS2):c.1561T>C (p.Cys521Arg)

Gene: PACS2 (phosphofurin acidic cluster sorting protein 2; plus strand). Cytogenetic location: 14q32.33.
Variant type: single nucleotide variant.
Coding change: c.1561T>C on transcript NM_001100913.3 (MANE Select); coding-DNA position 1561, T replaced by C.
Protein change: p.Cys521Arg; replaces cysteine 521 with arginine.
Molecular consequence: missense variant.
Genome position (GRCh38, 1-based): chr14:105,382,849, T>C. VCF-style: chr14-105382849-T-C. GRCh37 (hg19) VCF-style: chr14-105849186-T-C.
Other names: c.1324T>C, p.Cys442Arg (NM_001243127.3); c.1549T>C, p.Cys517Arg (NM_015197.4); c.1561T>C (NM_001100913.2); short protein forms C442R, C521R, C517R.
Identifiers: ClinVar variation 2851267 (VCV002851267.4), dbSNP rs2544813336, ClinGen allele CA391182738.